The following is an entry in ClinVar:

NM_032119.4(ADGRV1):c.13048dup (p.Ser4350fs)

Gene: ADGRV1 (adhesion G protein-coupled receptor V1; plus strand). Cytogenetic location: 5q14.3.
Variant type: Duplication.
Coding change: c.13048dup on transcript NM_032119.4 (MANE Select); coding-DNA position 13048, one base duplicated (T; older notation c.13048dupT).
Protein change: p.Ser4350fs; shifts the reading frame from serine 4350.
Molecular consequence: frameshift variant. On other transcripts: non-coding transcript variant (1).
Genome position (GRCh38, 1-based): chr5:90,779,063, T duplicated; the last of 4 consecutive T bases (chr5:90,779,060-90,779,063); duplicating any one gives the same sequence. VCF-style (leftmost placement, unchanged base first): chr5-90779059-A-AT. GRCh37 (hg19) VCF-style: chr5-90074876-A-AT.
Other names: short protein forms S4350fs.
Identifiers: ClinVar variation 1426021 (VCV001426021.6), dbSNP rs2150082239, ClinGen allele CA2573140022.

ClinVar aggregate classification (germline): Pathogenic (1 of 4 stars; one submission).

Submission:

Labcorp Genetics (formerly Invitae), Labcorp
Classification: Pathogenic. Last evaluated: 2024-06-19. Review status: criteria provided, single submitter. Criteria: Invitae Variant Classification Sherloc (09022015). Collection method: clinical testing. Allele origin: germline.
Comment: This sequence change creates a premature translational stop signal (p.Ser4350Phefs*15) in the ADGRV1 gene. It is expected to result in an absent or disrupted protein product. Loss-of-function variants in ADGRV1 are known to be pathogenic (PMID: 19357117, 22135276, 22147658, 26226137, 30718709, 31047384, 32467589). This variant is not present in population databases (gnomAD no frequency). This variant has not been reported in the literature in individuals affected with ADGRV1-related conditions. ClinVar contains an entry for this variant (Variation ID: 1426021). For these reasons, this variant has been classified as Pathogenic.

Literature cited by the submitters: PubMed 19357117; PubMed 22135276; PubMed 22147658; PubMed 26226137; PubMed 30718709; PubMed 31047384; PubMed 32467589.